The following is an entry in ClinVar:

ClinVar aggregate classification (germline): Pathogenic (1 of 4 stars; one submission).

Conditions:
Intellectual developmental disorder, autosomal dominant 1. Also called: Intellectual disability, autosomal dominant 1; MBD5 Haploinsufficiency. Identifiers: Orphanet 228402, MedGen C1969562, MONDO:0007974, OMIM 156200.

Submission:

Labcorp Genetics (formerly Invitae), Labcorp
Classification: Pathogenic for Intellectual developmental disorder, autosomal dominant 1. Last evaluated: 2018-10-30. Review status: criteria provided, single submitter. Criteria: Invitae Variant Classification Sherloc (09022015). Collection method: clinical testing. Allele origin: germline.
Comment: This variant has not been reported in the literature in individuals with MBD5-related disease. For these reasons, this variant has been classified as Pathogenic. Loss-of-function variants in MBD5 are known to be pathogenic (PMID: 23422940, 23587880). This variant is not present in population databases (ExAC no frequency). This sequence change creates a premature translational stop signal (p.Gln334Lysfs*18) in the MBD5 gene. It is expected to result in an absent or disrupted protein product.

Literature cited by the submitters: PubMed 23422940; PubMed 23587880.

NM_001378120.1(MBD5):c.1000del (p.Gln334fs)

Gene: MBD5 (methyl-CpG binding domain protein 5; plus strand). Cytogenetic location: 2q23.1.
Variant type: Deletion.
Coding change: c.1000del on transcript NM_001378120.1 (MANE Select); coding-DNA position 1000, one base deleted (C; older notation c.1000delC).
Protein change: p.Gln334fs; shifts the reading frame from glutamine 334.
Molecular consequence: frameshift variant.
Genome position (GRCh38, 1-based): chr2:148,468,943, C deleted; the last of 4 consecutive C bases (chr2:148,468,940-148,468,943); deleting any one gives the same sequence. VCF-style (leftmost placement, unchanged base first): chr2-148468939-AC-A. GRCh37 (hg19) VCF-style: chr2-149226508-AC-A.
Other names: c.1000del, p.Gln334fs (NM_018328.5); c.1000delC (NM_018328.4); short protein forms Q334fs.
Identifiers: ClinVar variation 665197 (VCV000665197.7), dbSNP rs1574459612, ClinGen allele CA915941751.